The following is an entry in ClinVar:

NM_000548.5(TSC2):c.5321G>A (p.Ser1774Asn)

Gene: TSC2 (TSC complex subunit 2; plus strand). Cytogenetic location: 16p13.3.
Variant type: single nucleotide variant.
Coding change: c.5321G>A on transcript NM_000548.5 (MANE Select); coding-DNA position 5321, G replaced by A.
Protein change: p.Ser1774Asn; replaces serine 1774 with asparagine.
Molecular consequence: missense variant. On other transcripts: non-coding transcript variant (5).
Genome position (GRCh38, 1-based): chr16:2,088,507, G>A. VCF-style: chr16-2088507-G-A. GRCh37 (hg19) VCF-style: chr16-2138508-G-A.
Other names: c.5120G>A, p.Ser1707Asn (NM_001077183.3); c.5252G>A, p.Ser1751Asn (NM_001114382.3); c.5012G>A, p.Ser1671Asn (NM_001318827.2); c.4976G>A, p.Ser1659Asn (NM_001318829.2); c.4589G>A, p.Ser1530Asn (NM_001318831.2); c.5153G>A, p.Ser1718Asn (NM_001318832.2); c.5123G>A, p.Ser1708Asn (NM_001363528.2); c.5189G>A, p.Ser1730Asn (NM_001370404.1); and 27 more; short protein forms S1260N, S1283N, S1303N, S1508N, S1530N, S1554N, S1670N, S1702N.
Identifiers: ClinVar variation 3578810 (VCV003578810.3).

ClinVar aggregate classification (germline): Uncertain significance. Review status: criteria provided, multiple submitters, no conflicts (2 of 4 stars). 3 submissions from 3 submitters: Uncertain significance (3). Last evaluated 2025-11-19.

Conditions:
Lymphangiomyomatosis (LAM). Also called: Lymphangioleiomyomatosis; Lymphangioleiomyomatosis, somatic. Identifiers: Orphanet 538, MedGen C0751674, MONDO:0011705, OMIM 606690.
Tuberous sclerosis 2 (TSC2). Identifiers: Orphanet 805, MedGen C1860707, MONDO:0013199, OMIM 613254.
Isolated focal cortical dysplasia type II (FCORD2). Also called: CORTICAL DYSPLASIA OF TAYLOR; Focal cortical dysplasia type II. Identifiers: Orphanet 268994, MedGen C1846385, MONDO:0011818, OMIM 607341, HP:0032051.
Hereditary cancer-predisposing syndrome. Also called: Tumor predisposition; Hereditary Cancer Syndrome; Hereditary neoplastic syndrome; Neoplastic Syndromes, Hereditary. Identifiers: Orphanet 140162, MedGen C0027672, MeSH D009386, MONDO:0015356.

Submissions (3):

Ambry Genetics
Classification: Uncertain significance for Hereditary cancer-predisposing syndrome. Last evaluated: 2025-11-19. Review status: criteria provided, single submitter. Criteria: Ambry Variant Classification Scheme 2023. Collection method: clinical testing. Allele origin: germline.
Comment: The p.S1774N variant (also known as c.5321G>A), located in coding exon 41 of the TSC2 gene, results from a G to A substitution at nucleotide position 5321. The serine at codon 1774 is replaced by asparagine, an amino acid with highly similar properties. This amino acid position is poorly conserved in available vertebrate species. In addition, this alteration is predicted to be tolerated by in silico analysis. Based on the available evidence, the clinical significance of this variant remains unclear.

Labcorp Genetics (formerly Invitae), Labcorp
Classification: Uncertain significance for Tuberous sclerosis 2. Last evaluated: 2025-05-13. Review status: criteria provided, single submitter. Criteria: Invitae Variant Classification Sherloc (09022015). Collection method: clinical testing. Allele origin: germline.
Comment: This sequence change replaces serine, which is neutral and polar, with asparagine, which is neutral and polar, at codon 1774 of the TSC2 protein (p.Ser1774Asn). This variant is not present in population databases (gnomAD no frequency). This variant has not been reported in the literature in individuals affected with TSC2-related conditions. ClinVar contains an entry for this variant (Variation ID: 3578810). Invitae Evidence Modeling of protein sequence and biophysical properties (such as structural, functional, and spatial information, amino acid conservation, physicochemical variation, residue mobility, and thermodynamic stability) indicates that this missense variant is not expected to disrupt TSC2 protein function with a negative predictive value of 95%. In summary, the available evidence is currently insufficient to determine the role of this variant in disease. Therefore, it has been classified as a Variant of Uncertain Significance.

Fulgent Genetics
Classification: Uncertain significance for Lymphangiomyomatosis; Isolated focal cortical dysplasia type II; Tuberous sclerosis 2. Last evaluated: 2024-03-23. Review status: criteria provided, single submitter. Criteria: ACMG Guidelines, 2015. Collection method: clinical testing. Allele origin: germline.